The following is an entry in ClinVar:

ClinVar aggregate classification (germline): Uncertain significance (1 of 4 stars; one submission).

Allele frequency attached by ClinVar (database versions not stated): TOPMed below 0.00001; gnomAD 0.00001.
gnomAD v4.1: 1 of 1,613,190 alleles (0.000062%); highest among the groups gnomAD compares: Admixed American, 0.0017%; no homozygotes.

Submission:

Labcorp Genetics (formerly Invitae), Labcorp
Classification: Uncertain significance. Last evaluated: 2022-02-14. Review status: criteria provided, single submitter. Criteria: Invitae Variant Classification Sherloc (09022015). Collection method: clinical testing. Allele origin: germline.
Comment: This sequence change replaces valine, which is neutral and non-polar, with isoleucine, which is neutral and non-polar, at codon 1595 of the MYO7A protein (p.Val1595Ile). This variant is not present in population databases (gnomAD no frequency). This variant has not been reported in the literature in individuals affected with MYO7A-related conditions. Advanced modeling of protein sequence and biophysical properties (such as structural, functional, and spatial information, amino acid conservation, physicochemical variation, residue mobility, and thermodynamic stability) performed at Invitae indicates that this missense variant is not expected to disrupt MYO7A protein function. In summary, the available evidence is currently insufficient to determine the role of this variant in disease. Therefore, it has been classified as a Variant of Uncertain Significance.

NM_000260.4(MYO7A):c.4783G>A (p.Val1595Ile)

Gene: MYO7A (myosin VIIA; plus strand). Cytogenetic location: 11q13.5.
Variant type: single nucleotide variant.
Coding change: c.4783G>A on transcript NM_000260.4 (MANE Select); coding-DNA position 4783, G replaced by A.
Protein change: p.Val1595Ile; replaces valine 1595 with isoleucine.
Molecular consequence: missense variant.
Genome position (GRCh38, 1-based): chr11:77,199,749, G>A. VCF-style: chr11-77199749-G-A. GRCh37 (hg19) VCF-style: chr11-76910794-G-A.
Other names: c.4669G>A, p.Val1557Ile (NM_001127180.2); c.4636G>A, p.Val1546Ile (NM_001369365.1); short protein forms V1557I, V1595I, V1546I.
Identifiers: ClinVar variation 1360352 (VCV001360352.3), dbSNP rs1956932841, ClinGen allele CA381950921.